The following is an entry in ClinVar:

ClinVar aggregate classification (germline): Uncertain significance (1 of 4 stars; one submission).

Conditions:
Familial sleep-related hypermotor epilepsy. Also called: Autosomal Dominant Sleep-Related Hypermotor (Hyperkinetic) Epilepsy. Identifiers: Orphanet 98784, MedGen C3696898, MONDO:0000030.

Submission:

Labcorp Genetics (formerly Invitae), Labcorp
Classification: Uncertain significance. Last evaluated: 2022-08-20. Review status: criteria provided, single submitter. Criteria: Invitae Variant Classification Sherloc (09022015). Collection method: clinical testing. Allele origin: germline.
Comment: In summary, the available evidence is currently insufficient to determine the role of this variant in disease. Therefore, it has been classified as a Variant of Uncertain Significance. Experimental studies and prediction algorithms are not available or were not evaluated, and the functional significance of this variant is currently unknown. This variant has not been reported in the literature in individuals affected with CHRNA4-related conditions. This variant is not present in population databases (gnomAD no frequency). This sequence change creates a premature translational stop signal (p.Ala563*) in the CHRNA4 gene. It is expected to result in an absent or disrupted protein product. However, the current clinical and genetic evidence is not sufficient to establish whether loss-of-function variants in CHRNA4 cause disease.

NM_000744.7(CHRNA4):c.1686_1689del (p.Pro562_Ala563insTer)

Gene: CHRNA4 (cholinergic receptor nicotinic alpha 4 subunit; minus strand). Cytogenetic location: 20q13.33.
Variant type: Deletion.
Coding change: c.1686_1689del on transcript NM_000744.7 (MANE Select); coding-DNA positions 1686 to 1689, 4 bases deleted (GGCC; older notation c.1686_1689delGGCC).
Protein change: p.Pro562_Ala563insTer.
Molecular consequence: frameshift variant. On other transcripts: non-coding transcript variant (1).
Genome position (GRCh38, 1-based): chr20:63,349,722-63,349,725, GGCC deleted on the plus strand (GGCC on the coding strand, the reverse complement: CHRNA4 is on the minus strand); deleting any 4 consecutive bases within chr20:63,349,722-63,349,728 gives the same sequence; the c. name uses the placement nearest the transcript's 3' end. VCF-style (leftmost placement, unchanged base first): chr20-63349721-GGGCC-G. GRCh37 (hg19) VCF-style: chr20-61981073-GGGCC-G.
Other names: c.1158_1161del, p.Pro386_Ala387insTer (NM_001256573.2).
Identifiers: ClinVar variation 2025403 (VCV002025403.4), dbSNP rs2516536716, ClinGen allele CA2580098380.